The following is an entry in ClinVar:

ClinVar aggregate classification (germline): Likely pathogenic (1 of 4 stars; one submission).

Conditions:
Dilated cardiomyopathy 1G (CMD1G). Identifiers: Orphanet 154, MedGen C1858763, MONDO:0011400, OMIM 604145.
Autosomal recessive limb-girdle muscular dystrophy type 2J (LGMDR10). Also called: Limb-girdle muscular dystrophy, type 2J; MUSCULAR DYSTROPHY, LIMB-GIRDLE, AUTOSOMAL RECESSIVE 10. Identifiers: Orphanet 140922, MedGen C1837342, MONDO:0012127, OMIM 608807.

Submission:

Labcorp Genetics (formerly Invitae), Labcorp
Classification: Likely pathogenic for Dilated cardiomyopathy 1G; Autosomal recessive limb-girdle muscular dystrophy type 2J. Last evaluated: 2020-02-27. Review status: criteria provided, single submitter. Criteria: Invitae Variant Classification Sherloc (09022015). Collection method: clinical testing. Allele origin: germline.
Comment: This sequence change results in a premature translational stop signal in the TTN gene (p.Tyr24894Profs*9). While this is not anticipated to result in nonsense mediated decay, it is expected to create a truncated TTN protein. This variant is not present in population databases (ExAC no frequency). This variant has not been reported in the literature in individuals with TTN-related conditions. This variant is located in the A band of TTN (PMID: 25589632). Truncating variants in this region are significantly overrepresented in patients affected with dilated cardiomyopathy (PMID: 25589632). Truncating variants in this region have also been reported in individuals affected with autosomal recessive centronuclear myopathy (PMID: 23975875). In summary, the currently available evidence indicates that the variant is pathogenic, but additional data are needed to prove that conclusively. Therefore, this variant has been classified as Likely Pathogenic.

Literature cited by the submitters: PubMed 25589632; PubMed 23975875.

NM_001267550.2(TTN):c.74677_74678dup (p.Tyr24894fs)

Genes: TTN (titin; minus strand), TTN-AS1 (TTN antisense RNA 1; plus strand). Cytogenetic location: 2q31.2.
Variant type: Duplication.
Coding change: c.74677_74678dup on transcript NM_001267550.2 (MANE Select); coding-DNA positions 74677 to 74678, 2 bases duplicated (AC; older notation c.74677_74678dupAC).
Protein change: p.Tyr24894fs; shifts the reading frame from tyrosine 24894.
Molecular consequence: frameshift variant.
Genome position (GRCh38, 1-based): chr2:178,571,454-178,571,455, GT duplicated on the plus strand (AC on the coding strand, the reverse complement: TTN is on the minus strand). VCF-style (leftmost placement, unchanged base first): chr2-178571453-G-GGT. GRCh37 (hg19) VCF-style: chr2-179436180-G-GGT.
Other names: c.69754_69755dup, p.Tyr23253fs (NM_001256850.1); c.47482_47483dup, p.Tyr15829fs (NM_003319.4); c.66973_66974dup, p.Tyr22326fs (NM_133378.4); c.47857_47858dup, p.Tyr15954fs (NM_133432.3); c.48058_48059dup, p.Tyr16021fs (NM_133437.4); short protein forms Y15829fs, Y15954fs, Y16021fs, Y22326fs, Y23253fs, Y24894fs.
Identifiers: ClinVar variation 1065959 (VCV001065959.9), dbSNP rs2154169318, ClinGen allele CA2499215362.